The following is an entry in ClinVar:

NM_001377334.1(PIK3C2B):c.3005A>G (p.Lys1002Arg)

Gene: PIK3C2B (phosphatidylinositol-4-phosphate 3-kinase catalytic subunit type 2 beta; minus strand). Cytogenetic location: 1q32.1.
Variant type: single nucleotide variant.
Coding change: c.3005A>G on transcript NM_001377334.1 (MANE Select); coding-DNA position 3005, A replaced by G.
Protein change: p.Lys1002Arg; replaces lysine 1002 with arginine.
Molecular consequence: missense variant.
Genome position (GRCh38, 1-based): chr1:204,443,460, T>C on the plus strand (A>G on the coding strand, the complement: PIK3C2B is on the minus strand). VCF-style: chr1-204443460-T-C. GRCh37 (hg19) VCF-style: chr1-204412588-T-C.
Other names: c.2921A>G, p.Lys974Arg (NM_001377335.1); c.3005A>G, p.Lys1002Arg (NM_002646.4); short protein forms K1002R, K974R.
Identifiers: ClinVar variation 3037850 (VCV003037850.21), dbSNP rs41302549, ClinGen allele CA1347533.

ClinVar aggregate classification (germline): Likely benign. Review status: criteria provided, single submitter (1 of 4 stars). 2 submissions from 2 submitters: Likely benign (1). 1 of the submissions does not count toward it. Last evaluated 2024-04-01.

Conditions:
PIK3C2B-related disorder. Also called: PIK3C2B-related condition.

Allele frequency attached by ClinVar (database versions not stated): 1000 Genomes Project 0.00140; 1000 Genomes Project 30x 0.00172; ExAC 0.00275; gnomAD 0.00335; TOPMed 0.00340; ESP Exome Variant Server 0.00408; gnomAD exomes 0.00558.
gnomAD v4.1: 8,590 of 1,614,198 alleles (0.53%); highest among the groups gnomAD compares: Non-Finnish European, 0.68%; 36 homozygotes.

Submissions (2):

CeGaT Center for Human Genetics Tuebingen
Classification: Likely benign. Last evaluated: 2024-04-01. Review status: criteria provided, single submitter. Criteria: CeGaT Center For Human Genetics Tuebingen Variant Classification Criteria Version 2. Collection method: clinical testing. Allele origin: germline. Affected: yes. Observed: 1 variant allele.
Comment: PIK3C2B: BP4

PreventionGenetics, part of Exact Sciences
Classification: Likely benign for PIK3C2B-related condition. Last evaluated: 2024-08-26. Review status: no assertion criteria provided. Collection method: clinical testing. Allele origin: germline. Not counted in ClinVar's aggregate classification.
Comment: This variant is classified as likely benign based on ACMG/AMP sequence variant interpretation guidelines (Richards et al. 2015 PMID: 25741868, with internal and published modifications).